The following is an entry in ClinVar:

ClinVar aggregate classification (germline): Uncertain significance (1 of 4 stars; one submission).

Conditions:
Hereditary cancer-predisposing syndrome. Also called: Tumor predisposition; Hereditary neoplastic syndrome; Hereditary Cancer Syndrome; Neoplastic Syndromes, Hereditary. Identifiers: Orphanet 140162, MedGen C0027672, MeSH D009386, MONDO:0015356.

gnomAD v4.1: 1 of 1,614,106 alleles (0.000062%); highest among the groups gnomAD compares: Non-Finnish European, 0.000085%; no homozygotes.

Submission:

Ambry Genetics
Classification: Uncertain significance for Hereditary cancer-predisposing syndrome. Last evaluated: 2025-04-25. Review status: criteria provided, single submitter. Criteria: Ambry Variant Classification Scheme 2023. Collection method: clinical testing. Allele origin: germline.
Comment: The p.S977C variant (also known as c.2929A>T), located in coding exon 17 of the RET gene, results from an A to T substitution at nucleotide position 2929. The serine at codon 977 is replaced by cysteine, an amino acid with dissimilar properties. This amino acid position is conserved. In addition, this alteration is predicted to be deleterious by in silico analysis. Based on the available evidence, the clinical significance of this variant remains unclear.

NM_020975.6(RET):c.2929A>T (p.Ser977Cys)

Gene: RET (ret proto-oncogene; plus strand). Cytogenetic location: 10q11.21.
Variant type: single nucleotide variant.
Coding change: c.2929A>T on transcript NM_020975.6 (MANE Select); coding-DNA position 2929, A replaced by T.
Protein change: p.Ser977Cys; replaces serine 977 with cysteine.
Molecular consequence: missense variant.
Genome position (GRCh38, 1-based): chr10:43,123,798, A>T. VCF-style: chr10-43123798-A-T. GRCh37 (hg19) VCF-style: chr10-43619246-A-T.
Other names: c.2032A>T, p.Ser678Cys (NM_001406781.1, NM_001406782.1, NM_001406779.1 and 1 more transcripts); c.1903A>T, p.Ser635Cys (NM_001406783.1, NM_001406786.1); c.1939A>T, p.Ser647Cys (NM_001406784.1); c.1912A>T, p.Ser638Cys (NM_001406785.1); c.1897A>T, p.Ser633Cys (NM_001406787.1); c.1744A>T, p.Ser582Cys (NM_001406788.1, NM_001406789.1, NM_001406790.1); c.2167A>T, p.Ser723Cys (NM_001355216.2); c.2929A>T, p.Ser977Cys (NM_001406743.1, NM_001406744.1, NM_001406759.1 and 2 more transcripts); and 10 more; short protein forms S582C, S633C, S635C, S845C, S977C, S542C, S638C, S678C.
Identifiers: ClinVar variation 3944662 (VCV003944662.1).